The following continues an entry in ClinVar:

NM_006912.6(RIT1):c.170C>G (p.Ala57Gly)

Gene: RIT1. ClinVar aggregate classification (germline): Pathogenic/Likely pathogenic. Pathogenic (20); Likely pathogenic (1).

Submissions 14 to 25 of 25:

Women's Health and Genetics/Laboratory Corporation of America, LabCorp
Classification: Pathogenic for RASopathy. Last evaluated: 2021-09-08. Review status: criteria provided, single submitter. Criteria: LabCorp Variant Classification Summary - May 2015. Collection method: clinical testing. Allele origin: germline.
Comment: Variant summary: RIT1 c.170C>G (p.Ala57Gly) results in a non-conservative amino acid change located in the Small GTP-binding protein domain (IPR005225; also called as the G2 domain, Chen_2014) of the encoded protein sequence. Five of five in-silico tools predict a damaging effect of the variant on protein function. The variant was absent in 252130 control chromosomes (gnomAD and publication data). c.170C>G has been reported in the literature in multiple individuals affected with Noonan Syndrome or a related phenotype, including de novo occurrences (Aoki_2013, Bertola_2014, Chen_2014, Fang_2016, Koenighofer_2016). These data indicate that the variant is very likely to be associated with disease. Functional studies report this variant activated RAS-ERK pathway, exhibited more rapid nucleotide exchange on GTPase assay, revealed abnormalities of eye development, emphasizing the importance of RIT1 for spatial and temporal organization of the growing organism in zebrafish, exhibited decreased viability, edema, subcutaneous hemorrhage and AKT activation in mice (Chen_2014, Fang_2016, Koenighofer_2016, Takahara_2019). Four ClinVar submitters (evaluation after 2014) cite the variant as pathogenic. Based on the evidence outlined above, the variant was classified as pathogenic.

Ambry Genetics
Classification: Pathogenic for Cardiovascular phenotype. Last evaluated: 2021-04-02. Review status: criteria provided, single submitter. Criteria: Ambry Variant Classification Scheme 2023. Collection method: clinical testing. Allele origin: germline.
Comment: The p.A57G variant (also known as c.170C>G), located in coding exon 3 of the RIT1 gene, results from a C to G substitution at nucleotide position 170. The alanine at codon 57 is replaced by glycine, an amino acid with similar properties. This variant is also known as p.A74G (c.221C>G). This variant has been described in Noonan syndrome cohorts and pediatric cardiomyopathy cohorts, and it has been detected as a de novo and inherited variant in multiple unrelated individuals who meet clinical diagnostic criteria for Noonan syndrome (Aoki Y et al. Am J Hum Genet, 2013 Jul;93:173-80, Bertola DR et al. Am J Med Genet A, 2014 Nov;164A:2952-7; Chen PC et al. Proc Natl Acad Sci U S A, 2014 Aug;111:11473-8; Iglesias A et al. Genet Med, 2014 Dec;16:922-31; Cav&eacute; H et al. Eur J Hum Genet, 2016 08;24:1124-31; Kouz K et al. Genet Med, 2016 12;18:1226-1234; Yaoita M et al. Hum Genet, 2016 Feb;135:209-22; Popp B et al. Eur J Hum Genet, 2017 12;25:1364-1376; Shoji Y et al. Endocr J, 2019 Nov;66:983-994; Li X et al. Clin Genet, 2019 10;96:290-299; Chen H et al. Orphanet J Rare Dis, 2019 02;14:29; Aly SA et al. Mol Genet Genomic Med, 2020 07;8:e1253; Rupp S et al. Clin Res Cardiol, 2019 Mar;108:282-289). Experimental studies show this variant impacts protein function and may contribute to the pathogenesis of Noonan syndrome, at least in part, through enhancing ERK1/2 pathway signaling (Aoki Y et al. Am J Hum Genet, 2013 Jul;93:173-80; Chen PC et al. Proc Natl Acad Sci U S A, 2014 Aug;111:11473-8; Fang Z et al. J Biol Chem, 2016 07;291:15641-52; Koenighofer M et al. Clin Genet, 2016 Mar;89:359-66; Meyer Zum B&uuml;schenfelde U et al. PLoS Genet, 2018 05;14:e1007370). In addition, a heterozygous A57G knock-in mouse model recapitulated the Noonan syndrome phenotypic spectrum, including the fibrotic cardiac hypertrophy that appears to be a Noonan syndrome phenotype most frequently associated with RIT1 gene mutations (Takahara S et al. EBioMedicine, 2019 Apr;42:43-53). Based on the supporting evidence, this alteration is interpreted as a disease-causing mutation.

Genome Diagnostics Laboratory, The Hospital for Sick Children
Classification: Pathogenic for Noonan syndrome and Noonan-related syndrome. Last evaluated: 2020-10-30. Review status: criteria provided, single submitter. Criteria: ACMG Guidelines, 2015. Collection method: clinical testing. Allele origin: germline. Affected: yes.

Broad Center for Mendelian Genomics, Broad Institute of MIT and Harvard
Classification: Pathogenic for Noonan syndrome 8. Last evaluated: 2018-12-03. Review status: criteria provided, single submitter. Criteria: ACMG Guidelines, 2015. Collection method: research. Allele origin: de novo. Inheritance: Autosomal dominant inheritance. Affected: yes.
Comment: Trio exome analysis showed this variant to be de novo. This variant was absent from large population studies. Computational prediction tools and conservation analyses do not provide strong support for or against an impact to the protein. This variant has been reported in ClinVar with an alternate name, p.Ala57Gly (Variation ID: 60506). There are at least five individuals with Noonan syndrome and de novo inheritance of this variant in ClinVar and the literature (PMID: 25959749, 26714497, 23791108). In summary, the p.Ala74Gly variant is pathogenic based off of our findings, multiple de novo reports in ClinVar, and the literature. ACMG/AMP Criteria applied: PM2, PS2, PM6_Strong (Richards 2015).

Institute of Human Genetics, FAU Erlangen, Friedrich-Alexander-Universität Erlangen-Nürnberg
Classification: Pathogenic for Noonan syndrome 8. Last evaluated: 2017-08-01. Review status: criteria provided, single submitter. Criteria: ACMG Guidelines, 2015. Collection method: clinical testing. Allele origin: de novo. Inheritance: Sporadic. Affected: yes.
Comment: The variant in RIT1 was shown to be de novo and had been reported in several other patients with Noonan syndrome.

Blueprint Genetics
Classification: Pathogenic for RIT1-related disorders. Last evaluated: 2017-07-04. Review status: criteria provided, single submitter. Criteria: ACMG Guidelines, 2015. Collection method: clinical testing. Allele origin: de novo. Affected: yes. Observed: 2 variant alleles.

Laboratory for Molecular Medicine, Mass General Brigham Personalized Medicine
Classification: Pathogenic for Noonan syndrome. Last evaluated: 2016-02-10. Review status: criteria provided, single submitter. Criteria: LMM Criteria. Collection method: clinical testing. Allele origin: germline. Inheritance: Autosomal dominant inheritance. Observed: 6 variant alleles.
Comment: The p.Ala74Gly variant in RIT1 (reported as p.Ala57Gly based on amino acid seque nce predicted from NM_006912.5) has been identified in more than 10 individuals with Noonan syndrome and occurred de novo in four of these individuals (Aoki 201 3, Chen 2014, Bertola 2014, Iglesias 2014, Koenighofer 2015, LMM data). It has n ot been identified in large population studies. Pathogenic variants in RIT1 clus ter in the Switch I domain of the protein, where this variant is located (Aoki 2 013, Chen 2014). In summary, this variant meets our criteria to be classified a s pathogenic for Noonan syndrome in an autosomal dominant manner based upon its de novo and over-represented occurrences in affected individuals compared to the general population.

Institute for Genomic Statistics and Bioinformatics, University Hospital Bonn
Classification: Pathogenic for Noonan syndrome 1. Review status: criteria provided, single submitter. Criteria: ACMG Guidelines, 2015. Collection method: clinical testing. Allele origin: unknown. Affected: yes. Observed: 1 variant allele.

OMIM
Classification: Pathogenic for NOONAN SYNDROME 8. Last evaluated: 2014-11-01. Review status: no assertion criteria provided. Collection method: literature only. Allele origin: germline. Not counted in ClinVar's aggregate classification.

Diagnostic Laboratory, Department of Genetics, University Medical Center Groningen
Classification: Pathogenic. Review status: no assertion criteria provided. Collection method: clinical testing. Allele origin: germline. Affected: yes. Study: VKGL Data-share Consensus. Not counted in ClinVar's aggregate classification.

Joint Genome Diagnostic Labs from Nijmegen and Maastricht, Radboudumc and MUMC+
Classification: Pathogenic. Review status: no assertion criteria provided. Collection method: clinical testing. Allele origin: germline. Affected: yes. Study: VKGL Data-share Consensus. Not counted in ClinVar's aggregate classification.

Service de Génétique Moléculaire, Hôpital Robert Debré
Classification: Pathogenic for Noonan's syndrome. Review status: no assertion criteria provided. Criteria: clinical testing. Collection method: clinical testing. Allele origin: paternal, unknown, de novo. Affected: yes. Observed: 3 variant alleles. Not counted in ClinVar's aggregate classification.

Literature cited by the submitters: PubMed 23791108 (cited by 9 submitters); PubMed 24901346 (cited by 3 submitters); PubMed 25049390 (cited by 4 submitters); PubMed 25124994 (cited by 5 submitters); PubMed 25959749 (cited by 7 submitters); PubMed 26714497 (cited by 5 submitters); PubMed 26757980 (cited by Labcorp Genetics (formerly Invitae), Labcorp and Ambry Genetics); PubMed 27101134 (cited by Labcorp Genetics (formerly Invitae), Labcorp and Ambry Genetics); PubMed 27226556 (cited by 3 submitters); PubMed 30898653 (cited by Women's Health and Genetics/Laboratory Corporation of America, LabCorp and Ambry Genetics); PubMed 29158550 (cited by Ambry Genetics); PubMed 29734338 (cited by Ambry Genetics); PubMed 30105547 (cited by Ambry Genetics); PubMed 30732632 (cited by Ambry Genetics); PubMed 31219622 (cited by Ambry Genetics); PubMed 31292302 (cited by Ambry Genetics); PubMed 32396283 (cited by Ambry Genetics); PubMed 24803665 (cited by Laboratory for Molecular Medicine, Mass General Brigham Personalized Medicine).